The following is an entry in ClinVar:

NM_001963.6(EGF):c.163A>G (p.Ser55Gly)

Gene: EGF (epidermal growth factor; plus strand). Cytogenetic location: 4q25.
Variant type: single nucleotide variant.
Coding change: c.163A>G on transcript NM_001963.6 (MANE Select); coding-DNA position 163, A replaced by G.
Protein change: p.Ser55Gly; replaces serine 55 with glycine.
Molecular consequence: missense variant.
Genome position (GRCh38, 1-based): chr4:109,940,981, A>G. VCF-style: chr4-109940981-A-G. GRCh37 (hg19) VCF-style: chr4-110862137-A-G.
Other names: c.163A>G, p.Ser55Gly (NM_001178130.3, NM_001178131.3, NM_001357021.2); short protein forms S55G.
Identifiers: ClinVar variation 3728919 (VCV003728919.2).
Genomic context (GRCh38, chr4:109,940,981, plus strand): 5'-GTTTGGTCTCTTTCTTCCCACCCAGGTCCTGCACCCTTCTTAATTTTCTCCCATGGAAAT[A>G]GTATCTTTAGGATTGACACAGAAGGAACCAATTATGAGCAATTGGTGGTGGATGCTGGTG-3'
Protein context (NP_001954.2, residues 45-65): APFLIFSHGN[Ser55Gly]IFRIDTEGTN

ClinVar aggregate classification (germline): Uncertain significance (1 of 4 stars; one submission).

gnomAD v4.1: 2 of 1,614,106 alleles (0.00012%); highest among the groups gnomAD compares: South Asian, 0.0022%; no homozygotes.

Submission:

Labcorp Genetics (formerly Invitae), Labcorp
Classification: Uncertain significance. Last evaluated: 2025-01-13. Review status: criteria provided, single submitter. Criteria: Invitae Variant Classification Sherloc (09022015). Collection method: clinical testing. Allele origin: germline.
Comment: This sequence change replaces serine, which is neutral and polar, with glycine, which is neutral and non-polar, at codon 55 of the EGF protein (p.Ser55Gly). This variant is present in population databases (no rsID available, gnomAD 0.003%). This variant has not been reported in the literature in individuals affected with EGF-related conditions. An algorithm developed to predict the effect of missense changes on protein structure and function outputs the following: PolyPhen-2: "Benign". The glycine amino acid residue is found in multiple mammalian species, which suggests that this missense change does not adversely affect protein function. In summary, the available evidence is currently insufficient to determine the role of this variant in disease. Therefore, it has been classified as a Variant of Uncertain Significance.